The following is an entry in ClinVar:

ClinVar aggregate classification (germline): Uncertain significance (1 of 4 stars; one submission).

Conditions:
Hereditary cancer-predisposing syndrome. Also called: Neoplastic Syndromes, Hereditary; Tumor predisposition; Hereditary Cancer Syndrome; Hereditary neoplastic syndrome. Identifiers: Orphanet 140162, MedGen C0027672, MeSH D009386, MONDO:0015356.

Submission:

Ambry Genetics
Classification: Uncertain significance for Hereditary cancer-predisposing syndrome. Last evaluated: 2022-07-07. Review status: criteria provided, single submitter. Criteria: Ambry Variant Classification Scheme 2023. Collection method: clinical testing. Allele origin: germline.
Comment: The p.R1182K variant (also known as c.3545G>A), located in coding exon 6 of the MSH6 gene, results from a G to A substitution at nucleotide position 3545. The arginine at codon 1182 is replaced by lysine, an amino acid with highly similar properties. This amino acid position is highly conserved in available vertebrate species. In addition, this alteration is predicted to be deleterious by in silico analysis. Since supporting evidence is limited at this time, the clinical significance of this alteration remains unclear.

NM_000179.3(MSH6):c.3545G>A (p.Arg1182Lys)

Gene: MSH6 (mutS homolog 6; plus strand). Cytogenetic location: 2p16.3.
Variant type: single nucleotide variant.
Coding change: c.3545G>A on transcript NM_000179.3 (MANE Select); coding-DNA position 3545, G replaced by A.
Protein change: p.Arg1182Lys; replaces arginine 1182 with lysine.
Molecular consequence: missense variant.
Genome position (GRCh38, 1-based): chr2:47,805,016, G>A. VCF-style: chr2-47805016-G-A. GRCh37 (hg19) VCF-style: chr2-48032155-G-A.
Other names: c.3155G>A, p.Arg1052Lys (NM_001281492.2); c.2639G>A, p.Arg880Lys (NM_001281493.2, NM_001281494.2, NM_001406811.1 and 6 more transcripts); c.3641G>A, p.Arg1214Lys (NM_001406795.1, NM_001406802.1); c.3545G>A, p.Arg1182Lys (NM_001406796.1, NM_001406800.1, NM_001406808.1 and 1 more transcripts); c.3248G>A, p.Arg1083Lys (NM_001406797.1, NM_001406801.1, NM_001406805.1 and 10 more transcripts); c.3371G>A, p.Arg1124Lys (NM_001406798.1); c.3020G>A, p.Arg1007Lys (NM_001406799.1, NM_001406806.1, NM_001406807.1); c.2681G>A, p.Arg894Lys (NM_001406803.1); and 7 more; short protein forms R1052K, R1126K, R1007K, R1083K, R1184K, R1124K, R1156K, R1214K.
Identifiers: ClinVar variation 1732521 (VCV001732521.2), dbSNP rs1669880235, ClinGen allele CA346760253.